The following is an entry in ClinVar:

NM_000784.4(CYP27A1):c.200G>A (p.Arg67His)

Gene: CYP27A1 (cytochrome P450 family 27 subfamily A member 1; plus strand). Cytogenetic location: 2q35.
Variant type: single nucleotide variant.
Coding change: c.200G>A on transcript NM_000784.4 (MANE Select); coding-DNA position 200, G replaced by A.
Protein change: p.Arg67His; replaces arginine 67 with histidine.
Molecular consequence: missense variant.
Genome position (GRCh38, 1-based): chr2:218,782,382, G>A. VCF-style: chr2-218782382-G-A. GRCh37 (hg19) VCF-style: chr2-219647105-G-A.
Other names: short protein forms R67H.
Identifiers: ClinVar variation 2102225 (VCV002102225.1), dbSNP rs2470202075, ClinGen allele CA350576618.

ClinVar aggregate classification (germline): Uncertain significance (1 of 4 stars; one submission).

Conditions:
Cholestanol storage disease (CTX). Also called: CEREBRAL CHOLESTERINOSIS; Cerebrotendinous Xanthomatosis; CTX: Cerebrotendinous xanthomatosis. Identifiers: Orphanet 909, MedGen C0238052, MONDO:0008948, OMIM 213700.

gnomAD v4.1: 3 of 1,614,188 alleles (0.00019%); highest among the groups gnomAD compares: Non-Finnish European, 0.00025%; no homozygotes.

Submission:

Labcorp Genetics (formerly Invitae), Labcorp
Classification: Uncertain significance for Cholestanol storage disease. Last evaluated: 2022-02-22. Review status: criteria provided, single submitter. Criteria: Invitae Variant Classification Sherloc (09022015). Collection method: clinical testing. Allele origin: germline.
Comment: This sequence change replaces arginine, which is basic and polar, with histidine, which is basic and polar, at codon 67 of the CYP27A1 protein (p.Arg67His). This variant is not present in population databases (gnomAD no frequency). This variant has not been reported in the literature in individuals affected with CYP27A1-related conditions. Advanced modeling of protein sequence and biophysical properties (such as structural, functional, and spatial information, amino acid conservation, physicochemical variation, residue mobility, and thermodynamic stability) performed at Invitae indicates that this missense variant is not expected to disrupt CYP27A1 protein function. In summary, the available evidence is currently insufficient to determine the role of this variant in disease. Therefore, it has been classified as a Variant of Uncertain Significance.